The following is an entry in ClinVar:

NM_001142800.2(EYS):c.3003T>A (p.Cys1001Ter)

Gene: EYS (EGF-like photoreceptor maintenance factor; minus strand). Cytogenetic location: 6q12.
Variant type: single nucleotide variant.
Coding change: c.3003T>A on transcript NM_001142800.2 (MANE Select); coding-DNA position 3003, T replaced by A.
Protein change: p.Cys1001Ter; replaces cysteine 1001 with a stop codon.
Molecular consequence: nonsense.
Genome position (GRCh38, 1-based): chr6:64,822,812, A>T on the plus strand (T>A on the coding strand, the complement: EYS is on the minus strand). VCF-style: chr6-64822812-A-T. GRCh37 (hg19) VCF-style: chr6-65532705-A-T.
Other names: c.3003T>A, p.Cys1001Ter (NM_001292009.2); short protein forms C1001*.
Identifiers: ClinVar variation 844797 (VCV000844797.19), dbSNP rs1389794536, ClinGen allele CA364788071.

ClinVar aggregate classification (germline): Pathogenic. Review status: criteria provided, multiple submitters, no conflicts (2 of 4 stars). 6 submissions from 6 submitters: Pathogenic (6). Last evaluated 2026-02-04.

Conditions:
EYS-related disorder. Also called: EYS-related condition.
Retinitis pigmentosa 25 (RP25). Identifiers: Orphanet 791, MedGen C1864446, MONDO:0011272, OMIM 602772.

Allele frequency attached by ClinVar (database versions not stated): TOPMed below 0.00001; gnomAD 0.00001; gnomAD exomes 0.00003.
gnomAD v4.1: 36 of 1,548,920 alleles (0.0023%); highest among the groups gnomAD compares: Non-Finnish European, 0.0031%; no homozygotes.

Submissions (6):

GeneDx
Classification: Pathogenic. Last evaluated: 2026-02-04. Review status: criteria provided, single submitter. Criteria: GeneDx Variant Classification Process June 2021. Collection method: clinical testing. Allele origin: germline.
Comment: Identified in patients with EYS-related eye disorders (PMID: 21519034, 32037395); Nonsense variant predicted to result in protein truncation or nonsense mediated decay in a gene for which loss of function is a known mechanism of disease; Not observed at significant frequency in large population cohorts (gnomAD); This variant is associated with the following publications: (PMID: 25525159, 32037395, 20333770, 33749171, 21519034, 31964843)

Natera, Inc.
Classification: Pathogenic for Retinitis pigmentosa type 25. Last evaluated: 2025-12-03. Review status: criteria provided, single submitter. Criteria: Natera Variant Classification Schema (03/2026). Collection method: clinical testing. Allele origin: germline.
Comment: The c.3003T>A variant in EYS is a nonsense variant predicted to introduce a stop codon at amino acid 1001. This variant is expected to result in nonsense mediated decay, truncation, or a dysfunctional protein product. This variant is rare in the general population with a frequency below the threshold expected for the associated phenotype(s). This variant has been observed in one or more individuals affected with the associated recessive disease, as either homozygous or compound heterozygous with a second variant (PMID: 30902645, 33749171, 21519034). Given the available evidence, this variant is classified as Pathogenic.

Blueprint Genetics
Classification: Pathogenic for EYS-related disorders. Last evaluated: 2024-07-04. Review status: criteria provided, single submitter. Criteria: ACMG Guidelines, 2015. Collection method: clinical testing. Allele origin: germline. Affected: yes. Observed: 5 variant alleles.

Fulgent Genetics
Classification: Pathogenic for Retinitis pigmentosa 25. Last evaluated: 2024-04-09. Review status: criteria provided, single submitter. Criteria: ACMG Guidelines, 2015. Collection method: clinical testing. Allele origin: germline.

Baylor Genetics
Classification: Pathogenic for Retinitis pigmentosa 25. Last evaluated: 2023-12-29. Review status: criteria provided, single submitter. Criteria: ACMG Guidelines, 2015. Collection method: clinical testing. Allele origin: unknown.

Labcorp Genetics (formerly Invitae), Labcorp
Classification: Pathogenic. Last evaluated: 2023-11-21. Review status: criteria provided, single submitter. Criteria: Invitae Variant Classification Sherloc (09022015). Collection method: clinical testing. Allele origin: germline.
Comment: This sequence change creates a premature translational stop signal (p.Cys1001*) in the EYS gene. It is expected to result in an absent or disrupted protein product. Loss-of-function variants in EYS are known to be pathogenic (PMID: 18836446, 20333770). This variant is present in population databases (no rsID available, gnomAD 0.005%). This premature translational stop signal has been observed in individual(s) with EYS-related conditions (PMID: 20333770, 21519034). ClinVar contains an entry for this variant (Variation ID: 844797). For these reasons, this variant has been classified as Pathogenic.

Literature cited by the submitters: PubMed 30902645 (cited by Natera, Inc.); PubMed 33749171 (cited by Natera, Inc.); PubMed 21519034 (cited by Natera, Inc. and Labcorp Genetics (formerly Invitae), Labcorp); PubMed 18836446 (cited by Labcorp Genetics (formerly Invitae), Labcorp); PubMed 20333770 (cited by Labcorp Genetics (formerly Invitae), Labcorp).